The following is an entry in ClinVar:

NM_001042681.2(RERE):c.3235_3240delinsCAT (p.Ser1079_Ile1080delinsHis)

Gene: RERE (arginine-glutamic acid dipeptide repeats; minus strand). Cytogenetic location: 1p36.23.
Variant type: Indel.
Coding change: c.3235_3240delinsCAT on transcript NM_001042681.2 (MANE Select); coding-DNA positions 3235 to 3240, AGCATA replaced by CAT.
Protein change: p.Ser1079_Ile1080delinsHis.
Molecular consequence: inframe indel.
Genome position (GRCh38, 1-based): chr1:8,360,267-8,360,272, TATGCT replaced by ATG on the plus strand (AGCATA replaced by CAT on the coding strand, the reverse complement: RERE is on the minus strand). VCF-style: chr1-8360267-TATGCT-ATG. GRCh37 (hg19) VCF-style: chr1-8420327-TATGCT-ATG.
Other names: c.1573_1578delinsCAT, p.Ser525_Ile526delinsHis (NM_001042682.2); c.3235_3240delinsCAT, p.Ser1079_Ile1080delinsHis (NM_012102.4).
Identifiers: ClinVar variation 3364352 (VCV003364352.1).

ClinVar aggregate classification (germline): Uncertain significance (1 of 4 stars; one submission).

Submission:

GeneDx
Classification: Uncertain significance. Last evaluated: 2023-11-15. Review status: criteria provided, single submitter. Criteria: GeneDx Variant Classification Process June 2021. Collection method: clinical testing. Allele origin: germline. Affected: yes.
Comment: Not observed at significant frequency in large population cohorts (gnomAD); In silico analysis supports that this variant does not alter protein structure/function; Has not been previously published as pathogenic or benign to our knowledge